The following is an entry in ClinVar:

ClinVar aggregate classification (germline): Uncertain significance. Review status: criteria provided, multiple submitters, no conflicts (2 of 4 stars). 2 submissions from 2 submitters: Uncertain significance (2). Last evaluated 2025-09-01.

Allele frequency attached by ClinVar (database versions not stated): gnomAD exomes 0.00001 and 0.00002; TOPMed 0.00001; ExAC 0.00002; gnomAD 0.00003 and 0.00004.
gnomAD v4.1: 15 of 1,614,030 alleles (0.00093%); highest among the groups gnomAD compares: African/African-American, 0.012%; no homozygotes.

Submissions (2):

Ambry Genetics
Classification: Uncertain significance. Last evaluated: 2025-09-01. Review status: criteria provided, single submitter. Criteria: Ambry Variant Classification Scheme 2023. Collection method: clinical testing. Allele origin: germline.

Labcorp Genetics (formerly Invitae), Labcorp
Classification: Uncertain significance. Last evaluated: 2022-03-02. Review status: criteria provided, single submitter. Criteria: Invitae Variant Classification Sherloc (09022015). Collection method: clinical testing. Allele origin: germline.
Comment: This sequence change replaces glutamic acid with lysine at codon 1640 of the CEP250 protein (p.Glu1640Lys). The glutamic acid residue is weakly conserved and there is a small physicochemical difference between glutamic acid and lysine. This variant is present in population databases (rs755541063, gnomAD 0.02%). This variant has not been reported in the literature in individuals affected with CEP250-related conditions. Algorithms developed to predict the effect of missense changes on protein structure and function output the following: SIFT: "Not Available"; PolyPhen-2: "Benign"; Align-GVGD: "Not Available". The lysine amino acid residue is found in multiple mammalian species, which suggests that this missense change does not adversely affect protein function. In summary, the available evidence is currently insufficient to determine the role of this variant in disease. Therefore, it has been classified as a Variant of Uncertain Significance.

NM_007186.6(CEP250):c.4918G>A (p.Glu1640Lys)

Gene: CEP250 (centrosomal protein 250; plus strand). Cytogenetic location: 20q11.22.
Variant type: single nucleotide variant.
Coding change: c.4918G>A on transcript NM_007186.6 (MANE Select); coding-DNA position 4918, G replaced by A.
Protein change: p.Glu1640Lys; replaces glutamic acid 1640 with lysine.
Molecular consequence: missense variant.
Genome position (GRCh38, 1-based): chr20:35,503,287, G>A. VCF-style: chr20-35503287-G-A. GRCh37 (hg19) VCF-style: chr20-34091115-G-A.
Other names: c.4918G>A (NM_007186.3); c.3022G>A, p.Glu1008Lys (NM_001318219.1); short protein forms E1008K, E1640K.
Identifiers: ClinVar variation 1381778 (VCV001381778.7), dbSNP rs755541063, ClinGen allele CA9833790.